The following is an entry in ClinVar:

ClinVar aggregate classification (germline): Uncertain significance. Review status: criteria provided, multiple submitters, no conflicts (2 of 4 stars). 2 submissions from 2 submitters: Uncertain significance (2). Last evaluated 2024-04-09.

Conditions:
Inborn genetic diseases. Identifiers: MedGen C0950123, MeSH D030342.
Leukocyte adhesion deficiency 1 (LAD1). Also called: LEUKOCYTE ADHESION DEFICIENCY, TYPE I; LAD 1; Lymphocyte function-associated antigen 1 immunodeficiency; LFA 1 immunodeficiency. Identifiers: Orphanet 2968, Orphanet 99842, MedGen C0398738, MONDO:0007293, OMIM 116920.

Allele frequency attached by ClinVar (database versions not stated): gnomAD exomes below 0.00001; ExAC 0.00001; gnomAD 0.00001; 1000 Genomes Project 30x 0.00016; 1000 Genomes Project 0.00020.
gnomAD v4.1: 7 of 1,614,118 alleles (0.00043%); highest among the groups gnomAD compares: Admixed American, 0.012%; no homozygotes.

Submissions (2):

Ambry Genetics
Classification: Uncertain significance for Inborn genetic diseases. Last evaluated: 2024-04-09. Review status: criteria provided, single submitter. Criteria: Ambry Variant Classification Scheme 2023. Collection method: clinical testing. Allele origin: germline.

Labcorp Genetics (formerly Invitae), Labcorp
Classification: Uncertain significance for Leukocyte adhesion deficiency 1. Last evaluated: 2022-06-01. Review status: criteria provided, single submitter. Criteria: Invitae Variant Classification Sherloc (09022015). Collection method: clinical testing. Allele origin: germline.
Comment: This sequence change replaces glutamine, which is neutral and polar, with histidine, which is basic and polar, at codon 306 of the ITGB2 protein (p.Gln306His). This variant is present in population databases (rs541510772, gnomAD 0.003%). This variant has not been reported in the literature in individuals affected with ITGB2-related conditions. ClinVar contains an entry for this variant (Variation ID: 1053061). Algorithms developed to predict the effect of missense changes on protein structure and function are either unavailable or do not agree on the potential impact of this missense change (SIFT: "Deleterious"; PolyPhen-2: "Probably Damaging"; Align-GVGD: "Class C15"). In summary, the available evidence is currently insufficient to determine the role of this variant in disease. Therefore, it has been classified as a Variant of Uncertain Significance.

NM_000211.5(ITGB2):c.918G>C (p.Gln306His)

Gene: ITGB2 (integrin subunit beta 2; minus strand). Cytogenetic location: 21q22.3.
Variant type: single nucleotide variant.
Coding change: c.918G>C on transcript NM_000211.5 (MANE Select); coding-DNA position 918, G replaced by C.
Protein change: p.Gln306His; replaces glutamine 306 with histidine.
Molecular consequence: missense variant.
Genome position (GRCh38, 1-based): chr21:44,899,142, C>G on the plus strand (G>C on the coding strand, the complement: ITGB2 is on the minus strand). VCF-style: chr21-44899142-C-G. GRCh37 (hg19) VCF-style: chr21-46319057-C-G.
Other names: c.918G>C, p.Gln306His (NM_001127491.3); c.711G>C, p.Gln237His (NM_001303238.2); c.918G>C (NM_000211.3); short protein forms Q237H, Q306H.
Identifiers: ClinVar variation 1053061 (VCV001053061.7), dbSNP rs541510772, ClinGen allele CA10063003.